The following is an entry in ClinVar:

NM_001042492.3(NF1):c.1398dup (p.Thr467fs)

Gene: NF1 (neurofibromin 1; plus strand). Cytogenetic location: 17q11.2.
Variant type: Duplication.
Coding change: c.1398dup on transcript NM_001042492.3 (MANE Select); coding-DNA position 1398, one base duplicated (T; older notation c.1398dupT).
Protein change: p.Thr467fs; shifts the reading frame from threonine 467.
Molecular consequence: frameshift variant.
Genome position (GRCh38, 1-based): chr17:31,214,456, T duplicated; the last of 2 consecutive T bases (chr17:31,214,455-31,214,456); duplicating either gives the same sequence. VCF-style (leftmost placement, unchanged base first): chr17-31214454-C-CT. GRCh37 (hg19) VCF-style: chr17-29541472-C-CT.
Other names: c.1398dup, p.Thr467Tyrfs (NM_000267.4); c.1398dup, p.Thr467fs (NM_001128147.3); short protein forms T467fs.
Identifiers: ClinVar variation 2736510 (VCV002736510.3), dbSNP rs2544829049, ClinGen allele CA2695224663.

ClinVar aggregate classification (germline): Pathogenic (1 of 4 stars; one submission).

Conditions:
Neurofibromatosis, type 1 (NF1). Also called: Neurofibromatosis, type I; Peripheral type neurofibromatosis; VON RECKLINGHAUSEN DISEASE; NEUROFIBROMATOSIS, TYPE I, SOMATIC. Identifiers: Orphanet 636, MedGen C0027831, MONDO:0018975, OMIM 162200. Disease mechanism: loss of function.

Submission:

Labcorp Genetics (formerly Invitae), Labcorp
Classification: Pathogenic for Neurofibromatosis, type 1. Last evaluated: 2023-07-12. Review status: criteria provided, single submitter. Criteria: Invitae Variant Classification Sherloc (09022015). Collection method: clinical testing. Allele origin: germline.
Comment: This sequence change creates a premature translational stop signal (p.Thr467Tyrfs*3) in the NF1 gene. It is expected to result in an absent or disrupted protein product. Loss-of-function variants in NF1 are known to be pathogenic (PMID: 10712197, 23913538). For these reasons, this variant has been classified as Pathogenic. This variant is also known as 1398insT. This premature translational stop signal has been observed in individual(s) with neurofibromatosis type 1 (PMID: 10712197). This variant is not present in population databases (gnomAD no frequency).

Literature cited by the submitters: PubMed 10712197; PubMed 23913538.